The following is an entry in ClinVar:

NM_000426.4(LAMA2):c.5426A>C (p.Lys1809Thr)

Gene: LAMA2 (laminin subunit alpha 2; plus strand). Cytogenetic location: 6q22.33.
Variant type: single nucleotide variant.
Coding change: c.5426A>C on transcript NM_000426.4 (MANE Select); coding-DNA position 5426, A replaced by C.
Protein change: p.Lys1809Thr; replaces lysine 1809 with threonine.
Molecular consequence: missense variant.
Genome position (GRCh38, 1-based): chr6:129,393,236, A>C. VCF-style: chr6-129393236-A-C. GRCh37 (hg19) VCF-style: chr6-129714381-A-C.
Other names: c.5426A>C, p.Lys1809Thr (NM_001079823.2); short protein forms K1809T.
Identifiers: ClinVar variation 2414089 (VCV002414089.4), dbSNP rs775286908, ClinGen allele CA146885941.

ClinVar aggregate classification (germline): Uncertain significance (1 of 4 stars; one submission).

Conditions:
LAMA2-related muscular dystrophy (LAMA2-RD). Also called: Laminin alpha 2-related dystrophy. Identifiers: MedGen C5679788, MONDO:0100228.

gnomAD v4.1: 2 of 1,613,668 alleles (0.00012%); highest among the groups gnomAD compares: East Asian, 0.0022%; no homozygotes.

Submission:

Labcorp Genetics (formerly Invitae), Labcorp
Classification: Uncertain significance for LAMA2-related muscular dystrophy. Last evaluated: 2022-05-12. Review status: criteria provided, single submitter. Criteria: Invitae Variant Classification Sherloc (09022015). Collection method: clinical testing. Allele origin: germline.
Comment: This sequence change replaces lysine, which is basic and polar, with threonine, which is neutral and polar, at codon 1809 of the LAMA2 protein (p.Lys1809Thr). This variant is not present in population databases (gnomAD no frequency). This variant has not been reported in the literature in individuals affected with LAMA2-related conditions. Advanced modeling of protein sequence and biophysical properties (such as structural, functional, and spatial information, amino acid conservation, physicochemical variation, residue mobility, and thermodynamic stability) performed at Invitae indicates that this missense variant is not expected to disrupt LAMA2 protein function. In summary, the available evidence is currently insufficient to determine the role of this variant in disease. Therefore, it has been classified as a Variant of Uncertain Significance.